The following is an entry in ClinVar:

NM_000021.4(PSEN1):c.1177G>T (p.Val393Phe)

Gene: PSEN1 (presenilin 1; plus strand). Cytogenetic location: 14q24.2.
Variant type: single nucleotide variant.
Coding change: c.1177G>T on transcript NM_000021.4 (MANE Select); coding-DNA position 1177, G replaced by T.
Protein change: p.Val393Phe; replaces valine 393 with phenylalanine.
Molecular consequence: missense variant.
Genome position (GRCh38, 1-based): chr14:73,217,173, G>T. VCF-style: chr14-73217173-G-T. GRCh37 (hg19) VCF-style: chr14-73683881-G-T.
Other names: c.1165G>T, p.Val389Phe (NM_007318.3); short protein forms V393F, V389F.
Identifiers: ClinVar variation 599628 (VCV000599628.1), dbSNP rs1566656702, ClinGen allele CA390305793.

ClinVar aggregate classification (germline): Likely pathogenic (1 of 4 stars; one submission).

Conditions:
Alzheimer disease. Also called: Presenile and senile dementia; Alzheimer's disease. Identifiers: Orphanet 1020, MedGen C0002395, MeSH D000544, MONDO:0004975, HP:0002511.

Submission:

Human Genetics Group at Institute of Prion Diseases London, University College London
Classification: Likely pathogenic for Alzheimer disease type 1. Last evaluated: 2017-02-01. Review status: criteria provided, single submitter. Criteria: Koriath et al. 2018. Collection method: research. Allele origin: unknown. Affected: yes. Observed: 1 variant allele.
Comment: not on exac, big aminoacid change in size, deleterious mutations in both adjacent codons (with smaller aminoacid changes), predicted deleterious in silico, CADD phredd 35

Confirmed by Sanger sequencing